The following is an entry in ClinVar:

ClinVar aggregate classification (germline): Pathogenic (1 of 4 stars; one submission).

Allele frequency attached by ClinVar (database versions not stated): gnomAD 0.00001; TOPMed 0.00002; gnomAD exomes 0.00001.
gnomAD v4.1: 18 of 1,610,400 alleles (0.0011%); highest among the groups gnomAD compares: Admixed American, 0.0017%; no homozygotes.

Submission:

Labcorp Genetics (formerly Invitae), Labcorp
Classification: Pathogenic. Last evaluated: 2025-08-10. Review status: criteria provided, single submitter. Criteria: Invitae Variant Classification Sherloc (09022015). Collection method: clinical testing. Allele origin: germline.
Comment: This sequence change creates a premature translational stop signal (p.Arg276*) in the ADSSL1 gene. It is expected to result in an absent or disrupted protein product. Loss-of-function variants in ADSSL1 are known to be pathogenic (PMID: 26506222). This variant is present in population databases (no rsID available, gnomAD 0.006%). This variant has not been reported in the literature in individuals affected with ADSSL1-related conditions. ClinVar contains an entry for this variant (Variation ID: 2993158). For these reasons, this variant has been classified as Pathogenic.

Literature cited by the submitters: PubMed 26506222.

NM_152328.5(ADSS1):c.697C>T (p.Arg233Ter)

Gene: ADSS1 (adenylosuccinate synthase 1; plus strand). Cytogenetic location: 14q32.33.
Variant type: single nucleotide variant.
Coding change: c.697C>T on transcript NM_152328.5 (MANE Select); coding-DNA position 697, C replaced by T.
Protein change: p.Arg233Ter; replaces arginine 233 with a stop codon.
Molecular consequence: nonsense.
Genome position (GRCh38, 1-based): chr14:104,741,147, C>T. VCF-style: chr14-104741147-C-T. GRCh37 (hg19) VCF-style: chr14-105207484-C-T.
Other names: c.82C>T, p.Arg28Ter (NM_001320424.1); c.826C>T, p.Arg276Ter (NM_199165.2); short protein forms R233*, R276*, R28*.
Identifiers: ClinVar variation 2993158 (VCV002993158.3), dbSNP rs1358620767, ClinGen allele CA391240452.